The following is an entry in ClinVar:

NC_000022.11:g.40345631T>C

Gene: ADSL (adenylosuccinate lyase; plus strand). Cytogenetic location: 22q13.1.
Variant type: single nucleotide variant.
Genome position: GRCh38 VCF-style: chr22-40345631-T-C. GRCh37 (hg19) VCF-style: chr22-40741635-T-C.
Identifiers: ClinVar variation 1497678 (VCV001497678.7), dbSNP rs2146607888, ClinGen allele CA2573158330.
Genomic context (GRCh38, chr22:40,345,631, plus strand): 5'-TGTCAAAAAAAAAAAAAAGGGGGGGGGCCACTTGAGTGTTTCTATTTCTATTTATTTATT[T>C]AATTCTTTTATTTTTTGGAGACGGAGTCTCGCTCTGTCGCCCAGGCTGGAGTGCAGTGGC-3'

ClinVar aggregate classification (germline): Uncertain significance (1 of 4 stars; one submission).

Conditions:
Adenylosuccinate lyase deficiency (ADSLD). Also called: ADSL DEFICIENCY. Identifiers: Orphanet 46, MedGen C0268126, MONDO:0007068, OMIM 103050.

Submission:

Labcorp Genetics (formerly Invitae), Labcorp
Classification: Uncertain significance for Adenylosuccinate lyase deficiency. Last evaluated: 2024-02-24. Review status: criteria provided, single submitter. Criteria: Invitae Variant Classification Sherloc (09022015). Collection method: clinical testing. Allele origin: germline.
Comment: This variant occurs in a non-coding region of the ADSL gene. It does not change the encoded amino acid sequence of the ADSL protein. This variant is not present in population databases (gnomAD no frequency). This variant has not been reported in the literature in individuals affected with ADSL-related conditions. Experimental studies and prediction algorithms are not available or were not evaluated, and the functional significance of this variant is currently unknown. In summary, the available evidence is currently insufficient to determine the role of this variant in disease. Therefore, it has been classified as a Variant of Uncertain Significance.